The following is an entry in ClinVar:

ClinVar aggregate classification (germline): Pathogenic (1 of 4 stars; one submission).

Conditions:
AHDC1-related intellectual disability - obstructive sleep apnea - mild dysmorphism syndrome. Also called: Xia-Gibbs syndrome. Identifiers: Orphanet 412069, MedGen C4014419, MONDO:0014358, OMIM 615829.

Submission:

Laboratory of Human Genetics, Universidade de São Paulo
Classification: Pathogenic for AHDC1-related intellectual disability - obstructive sleep apnea - mild dysmorphism syndrome. Last evaluated: 2023-03-16. Review status: criteria provided, single submitter. Criteria: ACMG Guidelines, 2015. Collection method: clinical testing. Allele origin: germline. Inheritance: Autosomal dominant inheritance. Affected: yes. Observed: 1 heterozygote.
Comment: PVS1, PM2

NM_001371928.1(AHDC1):c.2651del (p.Gly884fs)

Gene: AHDC1 (AT-hook DNA binding motif containing 1; minus strand). Cytogenetic location: 1p36.11.
Variant type: Deletion.
Coding change: c.2651del on transcript NM_001371928.1 (MANE Select); coding-DNA position 2651, one base deleted (G; older notation c.2651delG).
Protein change: p.Gly884fs; shifts the reading frame from glycine 884.
Molecular consequence: frameshift variant.
Genome position (GRCh38, 1-based): chr1:27,549,465, C deleted on the plus strand (G on the coding strand, the reverse complement: AHDC1 is on the minus strand); the first of 4 consecutive C bases (chr1:27,549,465-27,549,468); deleting any one gives the same sequence. VCF-style (leftmost placement, unchanged base first): chr1-27549464-GC-G. GRCh37 (hg19) VCF-style: chr1-27875975-GC-G.
Other names: p.Gly884AlafsTer48; c.2651del, p.Gly884fs (NM_001029882.3); short protein forms G884fs.
Identifiers: ClinVar variation 2626757 (VCV002626757.2), dbSNP rs2521924213, ClinGen allele CA2582341903.